The following is an entry in ClinVar:

ClinVar aggregate classification (germline): Uncertain significance (1 of 4 stars; one submission).

Allele frequency attached by ClinVar (database versions not stated): gnomAD exomes 0.00004; ExAC 0.00015; gnomAD 0.00038; TOPMed 0.00051; ESP Exome Variant Server 0.00070; 1000 Genomes Project 30x 0.00078; 1000 Genomes Project 0.00080.
gnomAD v4.1: 121 of 1,610,568 alleles (0.0075%); highest among the groups gnomAD compares: African/African-American, 0.11%; no homozygotes.

Submission:

Labcorp Genetics (formerly Invitae), Labcorp
Classification: Uncertain significance. Last evaluated: 2024-12-02. Review status: criteria provided, single submitter. Criteria: Invitae Variant Classification Sherloc (09022015). Collection method: clinical testing. Allele origin: germline.
Comment: This sequence change replaces arginine, which is basic and polar, with cysteine, which is neutral and slightly polar, at codon 1535 of the MYO18B protein (p.Arg1535Cys). This variant is present in population databases (rs201043031, gnomAD 0.1%). This variant has not been reported in the literature in individuals affected with MYO18B-related conditions. ClinVar contains an entry for this variant (Variation ID: 2073078). An algorithm developed to predict the effect of missense changes on protein structure and function (PolyPhen-2) suggests that this variant is likely to be disruptive. In summary, the available evidence is currently insufficient to determine the role of this variant in disease. Therefore, it has been classified as a Variant of Uncertain Significance.

NM_032608.7(MYO18B):c.4603C>T (p.Arg1535Cys)

Genes: MYO18B (myosin XVIIIB; plus strand), MYO18B-AS1 (MYO18B antisense RNA 1; minus strand). Cytogenetic location: 22q12.1.
Variant type: single nucleotide variant.
Coding change: c.4603C>T on transcript NM_032608.7 (MANE Select); coding-DNA position 4603, C replaced by T.
Protein change: p.Arg1535Cys; replaces arginine 1535 with cysteine.
Molecular consequence: missense variant.
Genome position (GRCh38, 1-based): chr22:25,895,215, C>T. VCF-style: chr22-25895215-C-T. GRCh37 (hg19) VCF-style: chr22-26291182-C-T.
Other names: c.4606C>T, p.Arg1536Cys (NM_001318245.2); short protein forms R1536C, R1535C.
Identifiers: ClinVar variation 2073078 (VCV002073078.2), dbSNP rs201043031, ClinGen allele CA10160929.
Genomic context (GRCh38, chr22:25,895,215, plus strand): 5'-GCAGACGAGTGGCAGATGCGCTTCGACTGTGCTCAGATGGAGAACGAGTTCCTCAGAAAG[C>T]GTCTGCAGCAATGCGAGGAGAGGCTGGACTCGGAGCTGACAGCCAGGAAAGAGCTGGAGC-3'
Protein context (NP_115997.5, residues 1525-1545): AQMENEFLRK[Arg1535Cys]LQQCEERLDS